The following is an entry in ClinVar:

ClinVar aggregate classification (germline): Uncertain significance (1 of 4 stars; one submission).

Conditions:
Neutropenia, severe congenital, 1, autosomal dominant. Identifiers: MedGen C1859966, MONDO:0042490, OMIM 202700.
Cyclical neutropenia. Also called: Cyclic hematopoiesis; Cyclic Neutropenia. Identifiers: Orphanet 2686, MedGen C0221023, MONDO:0008090, OMIM 162800, HP:0040289. Disease mechanism: loss of function.

Submission:

Labcorp Genetics (formerly Invitae), Labcorp
Classification: Uncertain significance for Neutropenia, severe congenital, 1, autosomal dominant; Cyclical neutropenia. Last evaluated: 2025-06-12. Review status: criteria provided, single submitter. Criteria: Invitae Variant Classification Sherloc (09022015). Collection method: clinical testing. Allele origin: germline.
Comment: This sequence change creates a premature translational stop signal (p.Gln137Argfs*36) in the ELANE gene. It is expected to result in an absent or disrupted protein product. However, the current clinical and genetic evidence is not sufficient to establish whether loss-of-function variants in ELANE cause disease. This variant is not present in population databases (gnomAD no frequency). This variant has not been reported in the literature in individuals affected with ELANE-related conditions. ClinVar contains an entry for this variant (Variation ID: 2940141). In summary, the available evidence is currently insufficient to determine the role of this variant in disease. Therefore, it has been classified as a Variant of Uncertain Significance.

NM_001972.4(ELANE):c.410_416del (p.Gln137fs)

Gene: ELANE (elastase, neutrophil expressed; plus strand). Cytogenetic location: 19p13.3.
Variant type: Deletion.
Coding change: c.410_416del on transcript NM_001972.4 (MANE Select); coding-DNA positions 410 to 416, 7 bases deleted (AGCTGCC; older notation c.410_416delAGCTGCC).
Protein change: p.Gln137fs; shifts the reading frame from glutamine 137.
Molecular consequence: frameshift variant.
Genome position (GRCh38, 1-based): chr19:855,607-855,613, AGCTGCC deleted; deleting any 7 consecutive bases within chr19:855,605-855,613 gives the same sequence; the c. name uses the placement nearest the transcript's 3' end. VCF-style (leftmost placement, unchanged base first): chr19-855604-CCCAGCTG-C. GRCh37 (hg19) VCF-style: chr19-855604-CCCAGCTG-C.
Other names: short protein forms Q137fs.
Identifiers: ClinVar variation 2940141 (VCV002940141.3), dbSNP rs2512168115, ClinGen allele CA2740091832.
Genomic context (GRCh38, chr19:855,604, plus strand): 5'-ATCTGTCCCCACCGCCACAGCTCAACGGGTCGGCCACCATCAACGCCAACGTGCAGGTGG[CCCAGCTG>C]CCGGCTCAGGGACGCCGCCTGGGCAACGGGGTGCAGTGCCTGGCCATGGGCTGGGGCCTT-3'